The following is an entry in ClinVar:

NM_015662.3(IFT172):c.1898A>G (p.Lys633Arg)

Gene: IFT172 (intraflagellar transport 172; minus strand). Cytogenetic location: 2p23.3.
Variant type: single nucleotide variant.
Coding change: c.1898A>G on transcript NM_015662.3 (MANE Select); coding-DNA position 1898, A replaced by G.
Protein change: p.Lys633Arg; replaces lysine 633 with arginine.
Molecular consequence: missense variant.
Genome position (GRCh38, 1-based): chr2:27,465,450, T>C on the plus strand (A>G on the coding strand, the complement: IFT172 is on the minus strand). VCF-style: chr2-27465450-T-C. GRCh37 (hg19) VCF-style: chr2-27688317-T-C.
Other names: c.1832A>G, p.Lys611Arg (NM_001410739.1); short protein forms K611R, K633R.
Identifiers: ClinVar variation 2167485 (VCV002167485.4), dbSNP rs2465902677, ClinGen allele CA346386280.
Genomic context (GRCh38, chr2:27,465,450, plus strand): 5'-TGTTCTACATGTCTACCTCACCTCTCCGCAATGTGTAGTTGCCTTGCCTCTAGTGCCAGT[T>C]TACTCAAGGTTTTCCACATTGCCTCTGTTTCTGGGGTCATTTCCAGAGTCTCTAAGAAGG-3'
Protein context (NP_056477.1, residues 623-643): ETEAMWKTLS[Lys633Arg]LALEARQLHI

ClinVar aggregate classification (germline): Uncertain significance (1 of 4 stars; one submission).

Conditions:
Short-rib thoracic dysplasia 10 with or without polydactyly (SRTD10). Identifiers: Orphanet 474, MedGen C3810175, MONDO:0014284, OMIM 615630.
Retinitis pigmentosa 71 (RP71). Identifiers: Orphanet 791, MedGen C4225342, MONDO:0014618, OMIM 616394.

Allele frequency attached by ClinVar (database versions not stated): gnomAD exomes below 0.00001.
gnomAD v4.1: 1 of 1,614,170 alleles (0.000062%); highest among the groups gnomAD compares: Non-Finnish European, 0.000085%; no homozygotes.

Submission:

Labcorp Genetics (formerly Invitae), Labcorp
Classification: Uncertain significance for Retinitis pigmentosa 71; Short-rib thoracic dysplasia 10 with or without polydactyly. Last evaluated: 2022-07-05. Review status: criteria provided, single submitter. Criteria: Invitae Variant Classification Sherloc (09022015). Collection method: clinical testing. Allele origin: germline.
Comment: In summary, the available evidence is currently insufficient to determine the role of this variant in disease. Therefore, it has been classified as a Variant of Uncertain Significance. Algorithms developed to predict the effect of missense changes on protein structure and function (SIFT, PolyPhen-2, Align-GVGD) all suggest that this variant is likely to be tolerated. This variant has not been reported in the literature in individuals affected with IFT172-related conditions. This variant is not present in population databases (gnomAD no frequency). This sequence change replaces lysine, which is basic and polar, with arginine, which is basic and polar, at codon 633 of the IFT172 protein (p.Lys633Arg).